The following is an entry in ClinVar:

NM_001127644.2(GABRA1):c.830A>G (p.Glu277Gly)

Gene: GABRA1 (gamma-aminobutyric acid type A receptor subunit alpha1; plus strand). Cytogenetic location: 5q34.
Variant type: single nucleotide variant.
Coding change: c.830A>G on transcript NM_001127644.2 (MANE Select); coding-DNA position 830, A replaced by G.
Protein change: p.Glu277Gly; replaces glutamic acid 277 with glycine.
Molecular consequence: missense variant.
Genome position (GRCh38, 1-based): chr5:161,891,024, A>G. VCF-style: chr5-161891024-A-G. GRCh37 (hg19) VCF-style: chr5-161318030-A-G.
Other names: c.830A>G, p.Glu277Gly (NM_000806.5, NM_001127643.2, NM_001127645.2 and 1 more transcripts); short protein forms E277G.
Identifiers: ClinVar variation 2003137 (VCV002003137.4), dbSNP rs2532280566, ClinGen allele CA362179997.

ClinVar aggregate classification (germline): Pathogenic (1 of 4 stars; one submission).

Conditions:
Epilepsy, idiopathic generalized, susceptibility to, 13. Also called: EPILEPSY, JUVENILE MYOCLONIC, SUSCEPTIBILITY TO, 5. Identifiers: Orphanet 307, Orphanet 64280, MedGen C4013473, MONDO:0012627, OMIM 611136.
Idiopathic generalized epilepsy. Also called: Generalised epilepsy; EIG. Identifiers: MedGen C0270850, MONDO:0005579, OMIM 600669.
Epilepsy, childhood absence 4 (ECA4). Also called: EPILEPSY, CHILDHOOD ABSENCE, SUSCEPTIBILITY TO, 4. Identifiers: Orphanet 307, MedGen C1970160.

Submission:

Labcorp Genetics (formerly Invitae), Labcorp
Classification: Pathogenic for Epilepsy, childhood absence 4; Epilepsy, idiopathic generalized, susceptibility to, 13; Idiopathic generalized epilepsy. Last evaluated: 2022-09-28. Review status: criteria provided, single submitter. Criteria: Invitae Variant Classification Sherloc (09022015). Collection method: clinical testing. Allele origin: germline.
Comment: Advanced modeling of protein sequence and biophysical properties (such as structural, functional, and spatial information, amino acid conservation, physicochemical variation, residue mobility, and thermodynamic stability) performed at Invitae indicates that this missense variant is expected to disrupt GABRA1 protein function. This missense change has been observed in individual(s) with clinical features of GABRA1-related conditions (Invitae). In at least one individual the variant was observed to be de novo. This variant is not present in population databases (gnomAD no frequency). This sequence change replaces glutamic acid, which is acidic and polar, with glycine, which is neutral and non-polar, at codon 277 of the GABRA1 protein (p.Glu277Gly). For these reasons, this variant has been classified as Pathogenic.